The following is an entry in ClinVar:

NM_006618.5(KDM5B):c.524A>G (p.Tyr175Cys)

Gene: KDM5B (lysine demethylase 5B; minus strand). Cytogenetic location: 1q32.1.
Variant type: single nucleotide variant.
Coding change: c.524A>G on transcript NM_006618.5 (MANE Select); coding-DNA position 524, A replaced by G.
Protein change: p.Tyr175Cys; replaces tyrosine 175 with cysteine.
Molecular consequence: missense variant.
Genome position (GRCh38, 1-based): chr1:202,773,170, T>C on the plus strand (A>G on the coding strand, the complement: KDM5B is on the minus strand). VCF-style: chr1-202773170-T-C. GRCh37 (hg19) VCF-style: chr1-202742298-T-C.
Other names: c.524A>G, p.Tyr175Cys (NM_001314042.2, NM_001347591.2); c.509A>G, p.Tyr170Cys (NM_001399817.1); short protein forms Y170C, Y175C.
Identifiers: ClinVar variation 4853958 (VCV004853958.1).

ClinVar aggregate classification (germline): Uncertain significance (1 of 4 stars; one submission).

Conditions:
Intellectual developmental disorder, autosomal recessive 65. Also called: MENTAL RETARDATION, AUTOSOMAL RECESSIVE 65; Intellectual disability, autosomal recessive 65. Identifiers: MedGen C4748219, MONDO:0020850, OMIM 618109.

gnomAD v4.1: 7 of 1,613,858 alleles (0.00043%); highest among the groups gnomAD compares: East Asian, 0.0022%; no homozygotes.

Submission:

3billion
Classification: Uncertain significance for Intellectual developmental disorder, autosomal recessive 65. Last evaluated: 2025-10-14. Review status: criteria provided, single submitter. Criteria: ACMG Guidelines, 2015. Collection method: clinical testing. Allele origin: germline. Affected: yes.
Comment: The variant is observed at an extremely low frequency in the gnomAD v4.1.0 dataset (total allele frequency: <0.001%). Predicted Consequence/Location: Missense variant. The majority of the known disease-causing variants of this gene are variants expected to result in premature termination of the protein. In silico tool predictions suggest damaging effect of the variant on gene or gene product [REVEL: 0.87 (>=0.6, sensitivity 0.68 and specificity 0.92); 3Cnet: 0.02 (> 0.75, sensitivity 0.96 and precision 0.92)]. Therefore, this variant is classified as VUS according to the recommendation of ACMG/AMP guideline.